The following is an entry in ClinVar:

NM_002299.4(LCT):c.1084A>G (p.Ile362Val)

Genes: LCT (lactase; minus strand), LOC126806353 (BRD4-independent group 4 enhancer GRCh37_chr2:136574960-136576159; plus strand). Cytogenetic location: 2q21.3.
Variant type: single nucleotide variant.
Coding change: c.1084A>G on transcript NM_002299.4 (MANE Select); coding-DNA position 1084, A replaced by G.
Protein change: p.Ile362Val; replaces isoleucine 362 with valine.
Molecular consequence: missense variant.
Genome position (GRCh38, 1-based): chr2:135,817,964, T>C on the plus strand (A>G on the coding strand, the complement: LCT is on the minus strand). VCF-style: chr2-135817964-T-C. GRCh37 (hg19) VCF-style: chr2-136575534-T-C.
Other names: c.1084A>G (LRG_338t1); short protein forms I362V.
Identifiers: ClinVar variation 331204 (VCV000331204.24), dbSNP rs4954449, ClinGen allele CA1888447.

ClinVar aggregate classification (germline): Benign. Review status: criteria provided, multiple submitters, no conflicts (2 of 4 stars). 8 submissions from 8 submitters: Benign (6). 2 of the submissions do not count toward it. Last evaluated 2026-02-04.

Conditions:
Congenital lactase deficiency. Also called: ALACTASIA, CONGENITAL; DISACCHARIDE INTOLERANCE II. Identifiers: Orphanet 53690, MedGen C0268179, MONDO:0009115, OMIM 223000.

Allele frequency attached by ClinVar (database versions not stated): ESP Exome Variant Server 0.97839; 1000 Genomes Project 30x 0.97845; TOPMed 0.97869; 1000 Genomes Project 0.97923; gnomAD 0.97993 and 0.98148; ExAC 0.99435; gnomAD exomes 0.99512.
gnomAD v4.1: 1,608,135 of 1,613,906 alleles (100%); highest among the groups gnomAD compares: East Asian, 100%; 801,350 homozygotes.

Submissions (8):

Labcorp Genetics (formerly Invitae), Labcorp
Classification: Benign. Last evaluated: 2026-02-04. Review status: criteria provided, single submitter. Criteria: Invitae Variant Classification Sherloc (09022015). Collection method: clinical testing. Allele origin: germline.

Mayo Clinic Laboratories, Mayo Clinic
Classification: Benign. Last evaluated: 2022-09-06. Review status: criteria provided, single submitter. Criteria: ACMG Guidelines, 2015. Collection method: clinical testing. Allele origin: germline. Observed: 94 variant alleles.

Genome-Nilou Lab
Classification: Benign for Congenital lactase deficiency. Last evaluated: 2021-08-19. Review status: criteria provided, single submitter. Criteria: ACMG Guidelines, 2015. Collection method: clinical testing. Allele origin: germline. Affected: no.

GeneDx
Classification: Benign. Last evaluated: 2021-06-09. Review status: criteria provided, single submitter. Criteria: GeneDx Variant Classification Process June 2021. Collection method: clinical testing. Allele origin: germline. Affected: yes.

Illumina Laboratory Services, Illumina
Classification: Benign for Congenital lactase deficiency. Last evaluated: 2018-01-13. Review status: criteria provided, single submitter. Criteria: ICSL Variant Classification Criteria 13 December 2019. Collection method: clinical testing. Allele origin: germline.
Comment: This variant was observed in the ICSL laboratory as part of a predisposition screen in an ostensibly healthy population. It had not been previously curated by ICSL or reported in the Human Gene Mutation Database (HGMD: prior to June 1st, 2018), and was therefore a candidate for classification through an automated scoring system. Utilizing variant allele frequency, disease prevalence and penetrance estimates, and inheritance mode, an automated score was calculated to assess if this variant is too frequent to cause the disease. Based on the score and internal cut-off values, a variant classified as benign is not then subjected to further curation. The score for this variant resulted in a classification of benign for this disease.

Breakthrough Genomics
Classification: Benign. Review status: criteria provided, single submitter. Criteria: ACMG Guidelines, 2015. Collection method: not provided. Allele origin: germline. Inheritance: Autosomal recessive inheritance. Affected: yes.

Diagnostic Laboratory, Department of Genetics, University Medical Center Groningen
Classification: Benign. Review status: no assertion criteria provided. Collection method: clinical testing. Allele origin: germline. Affected: yes. Study: VKGL Data-share Consensus. Not counted in ClinVar's aggregate classification.

Joint Genome Diagnostic Labs from Nijmegen and Maastricht, Radboudumc and MUMC+
Classification: Benign. Review status: no assertion criteria provided. Collection method: clinical testing. Allele origin: germline. Affected: yes. Study: VKGL Data-share Consensus. Not counted in ClinVar's aggregate classification.